The following is an entry in ClinVar:

ClinVar aggregate classification (germline): Likely benign. Review status: criteria provided, multiple submitters, no conflicts (2 of 4 stars). 2 submissions from 2 submitters: Likely benign (2). Last evaluated 2025-10-15.

Allele frequency attached by ClinVar (database versions not stated): gnomAD exomes 0.00004; ExAC 0.00007; gnomAD 0.00012; TOPMed 0.00012; ESP Exome Variant Server 0.00015; 1000 Genomes Project 30x 0.00016; 1000 Genomes Project 0.00020.
gnomAD v4.1: 42 of 1,613,662 alleles (0.0026%); highest among the groups gnomAD compares: African/African-American, 0.035%; no homozygotes.

Submissions (2):

Labcorp Genetics (formerly Invitae), Labcorp
Classification: Likely benign. Last evaluated: 2025-10-15. Review status: criteria provided, single submitter. Criteria: Invitae Variant Classification Sherloc (09022015). Collection method: clinical testing. Allele origin: germline.

CeGaT Center for Human Genetics Tuebingen
Classification: Likely benign. Last evaluated: 2024-01-01. Review status: criteria provided, single submitter. Criteria: CeGaT Center For Human Genetics Tuebingen Variant Classification Criteria Version 2. Collection method: clinical testing. Allele origin: germline. Affected: yes. Observed: 1 variant allele.
Comment: DCHS1: BP4, BP7

NM_003737.4(DCHS1):c.1458G>A (p.Ala486=)

Gene: DCHS1 (dachsous cadherin-related 1; minus strand). Cytogenetic location: 11p15.4.
Variant type: single nucleotide variant.
Coding change: c.1458G>A on transcript NM_003737.4 (MANE Select); coding-DNA position 1458, G replaced by A.
Protein change: p.Ala486=; no amino-acid change (alanine 486 retained).
Molecular consequence: synonymous variant.
Genome position (GRCh38, 1-based): chr11:6,640,156, C>T on the plus strand (G>A on the coding strand, the complement: DCHS1 is on the minus strand). VCF-style: chr11-6640156-C-T. GRCh37 (hg19) VCF-style: chr11-6661387-C-T.
Identifiers: ClinVar variation 1597877 (VCV001597877.30), dbSNP rs150016516, ClinGen allele CA5860964.
Genomic context (GRCh38, chr11:6,640,156, plus strand): 5'-ACCATTGGTGCCTTGGTCAGGATCCCGAGCAGTCACCCGCACTACAAAGCTGCCAGGCAG[C>T]GCAACCTCAGGCAGGGGCTCAGGTCGGTAGAGCTGGCGGTCAAAGGCAGGTGCATTGTCG-3'
Protein context (NP_003728.1, residues 476-496): LYRPEPLPEV[Ala486=]LPGSFVVRVT